The following is an entry in ClinVar:

NM_015135.3(NUP205):c.3057C>T (p.Asn1019=)

Gene: NUP205 (nucleoporin 205; plus strand). Cytogenetic location: 7q33.
Variant type: single nucleotide variant.
Coding change: c.3057C>T on transcript NM_015135.3 (MANE Select); coding-DNA position 3057, C replaced by T.
Protein change: p.Asn1019=; no amino-acid change (asparagine 1019 retained).
Molecular consequence: synonymous variant.
Genome position (GRCh38, 1-based): chr7:135,606,902, C>T. VCF-style: chr7-135606902-C-T. GRCh37 (hg19) VCF-style: chr7-135291650-C-T.
Other names: c.3057C>T (NM_015135.2); c.1983C>T, p.Asn661= (NM_001329434.2).
Identifiers: ClinVar variation 2716863 (VCV002716863.4), dbSNP rs140427916, ClinGen allele CA4498499.

ClinVar aggregate classification (germline): Likely benign. Review status: criteria provided, multiple submitters, no conflicts (2 of 4 stars). 2 submissions from 2 submitters: Likely benign (2). Last evaluated 2025-04-02.

Conditions:
NUP205-related disorder. Also called: NUP205-related condition.

Allele frequency attached by ClinVar (database versions not stated): ESP Exome Variant Server 0.00023; gnomAD 0.00024; gnomAD exomes 0.00003; ExAC 0.00009; 1000 Genomes Project 30x 0.00016; 1000 Genomes Project 0.00020; TOPMed 0.00020.
gnomAD v4.1: 87 of 1,613,830 alleles (0.0054%); highest among the groups gnomAD compares: African/African-American, 0.091%; no homozygotes.

Submissions (2):

PreventionGenetics, part of Exact Sciences
Classification: Likely benign for NUP205-related condition. Last evaluated: 2025-04-02. Review status: criteria provided, single submitter. Criteria: ACMG Guidelines, 2015. Collection method: clinical testing. Allele origin: germline.
Comment: This variant is classified as likely benign based on ACMG/AMP sequence variant interpretation guidelines (Richards et al. 2015 PMID: 25741868, with internal and published modifications).

Labcorp Genetics (formerly Invitae), Labcorp
Classification: Likely benign. Last evaluated: 2024-11-06. Review status: criteria provided, single submitter. Criteria: Invitae Variant Classification Sherloc (09022015). Collection method: clinical testing. Allele origin: germline.